The following is an entry in ClinVar:

ClinVar aggregate classification (germline): Uncertain significance. Review status: criteria provided, multiple submitters, no conflicts (2 of 4 stars). 2 submissions from 2 submitters: Uncertain significance (2). Last evaluated 2025-05-21.

Conditions:
Hereditary cancer-predisposing syndrome. Also called: Hereditary neoplastic syndrome; Neoplastic Syndromes, Hereditary; Tumor predisposition; Hereditary Cancer Syndrome. Identifiers: Orphanet 140162, MedGen C0027672, MeSH D009386, MONDO:0015356.
Microcephaly, normal intelligence and immunodeficiency (NBS). Also called: IMMUNODEFICIENCY, MICROCEPHALY, AND CHROMOSOMAL INSTABILITY; SEEMANOVA SYNDROME II; Nijmegen breakage syndrome; Microcephaly with normal intelligence immunodeficiency and lymphoreticular malignancies; Nonsyndromal microcephaly autosomal recessive with normal intelligence; Seemanova syndrome 2. Identifiers: Orphanet 647, MedGen C0398791, MONDO:0009623, OMIM 251260.

Allele frequency attached by ClinVar (database versions not stated): gnomAD exomes below 0.00001.
gnomAD v4.1: 1 of 1,613,732 alleles (0.000062%); highest among the groups gnomAD compares: Non-Finnish European, 0.000085%; no homozygotes.

Submissions (2):

Ambry Genetics
Classification: Uncertain significance for Hereditary cancer-predisposing syndrome. Last evaluated: 2025-05-21. Review status: criteria provided, single submitter. Criteria: Ambry Variant Classification Scheme 2023. Collection method: clinical testing. Allele origin: germline.
Comment: The p.M727V variant (also known as c.2179A>G), located in coding exon 14 of the NBN gene, results from an A to G substitution at nucleotide position 2179. The methionine at codon 727 is replaced by valine, an amino acid with highly similar properties. This amino acid position is not well conserved in available vertebrate species. In addition, this alteration is predicted to be tolerated by in silico analysis. Since supporting evidence is limited at this time, the clinical significance of this alteration remains unclear.

Labcorp Genetics (formerly Invitae), Labcorp
Classification: Uncertain significance for Microcephaly, normal intelligence and immunodeficiency. Last evaluated: 2023-06-09. Review status: criteria provided, single submitter. Criteria: Invitae Variant Classification Sherloc (09022015). Collection method: clinical testing. Allele origin: germline.
Comment: In summary, the available evidence is currently insufficient to determine the role of this variant in disease. Therefore, it has been classified as a Variant of Uncertain Significance. An algorithm developed to predict the effect of missense changes on protein structure and function (PolyPhen-2) suggests that this variant is likely to be tolerated. ClinVar contains an entry for this variant (Variation ID: 480058). This variant has not been reported in the literature in individuals affected with NBN-related conditions. This variant is not present in population databases (gnomAD no frequency). This sequence change replaces methionine, which is neutral and non-polar, with valine, which is neutral and non-polar, at codon 727 of the NBN protein (p.Met727Val).

NM_002485.5(NBN):c.2179A>G (p.Met727Val)

Gene: NBN (nibrin; minus strand). Cytogenetic location: 8q21.3.
Variant type: single nucleotide variant.
Coding change: c.2179A>G on transcript NM_002485.5 (MANE Select); coding-DNA position 2179, A replaced by G.
Protein change: p.Met727Val; replaces methionine 727 with valine.
Molecular consequence: missense variant.
Genome position (GRCh38, 1-based): chr8:89,943,258, T>C on the plus strand (A>G on the coding strand, the complement: NBN is on the minus strand). VCF-style: chr8-89943258-T-C. GRCh37 (hg19) VCF-style: chr8-90955486-T-C.
Other names: c.1933A>G, p.Met645Val (NM_001024688.3); short protein forms M727V, M645V.
Identifiers: ClinVar variation 480058 (VCV000480058.12), dbSNP rs1554555732, ClinGen allele CA371675275.